The following is an entry in ClinVar:

ClinVar aggregate classification (germline): Uncertain significance. Review status: criteria provided, multiple submitters, no conflicts (2 of 4 stars). 6 submissions from 6 submitters: Uncertain significance (6). Last evaluated 2026-05-12.

Conditions:
Congenital multicore myopathy with external ophthalmoplegia (CMYO1B). Also called: Minicore myopathy; Congenital myopathy 1B, autosomal recessive; MULTICORE MYOPATHY; MULTIMINICORE DISEASE WITH EXTERNAL OPHTHALMOPLEGIA; Minicore myopathy with external ophthalmoplegia. Identifiers: Orphanet 598, Orphanet 98905, MedGen C1850674, MONDO:0009712, OMIM 255320, HP:0003789.
King Denborough syndrome (KDS). Identifiers: MedGen C1840365, MONDO:0020485, OMIM 619542.
Central core myopathy (CMYO1A). Also called: CONGENITAL MYOPATHY 1A, AUTOSOMAL DOMINANT, WITH SUSCEPTIBILITY TO MALIGNANT HYPERTHERMIA; Central core disease; Myopathy, central fibrillar. Identifiers: Orphanet 597, MedGen C5830701, MONDO:0007294, OMIM 117000.
Congenital myopathy with fiber type disproportion. Also called: Congenital fiber-type disproportion; Congenital fiber-type disproportion myopathy. Identifiers: Orphanet 2020, MedGen C0546264, MONDO:0009711. Inheritance: all.
Malignant hyperthermia, susceptibility to, 1 (MHS1). Also called: RYR1-Related Malignant Hyperthermia Susceptibility; Anesthesia related hyperthermia; Malignant hyperpyrexia; Fulminating hyperpyrexia; Pharmacogenic myopathy; Malignant hyperthermia suceptibility 1. Identifiers: Orphanet 423, MedGen C2930980, MONDO:0007783, OMIM 145600.
Inborn genetic diseases. Identifiers: MedGen C0950123, MeSH D030342.
RYR1-related disorder. Also called: RYR1-related condition; RYR1-related disorders. Identifiers: MedGen CN239331.

Allele frequency attached by ClinVar (database versions not stated): gnomAD 0.00001; ESP Exome Variant Server 0.00008; gnomAD exomes 0.00001; ExAC 0.00001; TOPMed 0.00002.
gnomAD v4.1: 26 of 1,613,790 alleles (0.0016%); highest among the groups gnomAD compares: East Asian, 0.0045%; no homozygotes.

Submissions (6):

Ambry Genetics
Classification: Uncertain significance for Inborn genetic diseases. Last evaluated: 2026-05-12. Review status: criteria provided, single submitter. Criteria: Ambry Variant Classification Scheme 2023. Collection method: clinical testing. Allele origin: germline.

Labcorp Genetics (formerly Invitae), Labcorp
Classification: Uncertain significance for RYR1-related disorder. Last evaluated: 2024-01-02. Review status: criteria provided, single submitter. Criteria: Invitae Variant Classification Sherloc (09022015). Collection method: clinical testing. Allele origin: germline.
Comment: This sequence change replaces glycine, which is neutral and non-polar, with serine, which is neutral and polar, at codon 3487 of the RYR1 protein (p.Gly3487Ser). This variant is present in population databases (rs371645169, gnomAD 0.006%). This variant has not been reported in the literature in individuals affected with RYR1-related conditions. ClinVar contains an entry for this variant (Variation ID: 863673). Advanced modeling of protein sequence and biophysical properties (such as structural, functional, and spatial information, amino acid conservation, physicochemical variation, residue mobility, and thermodynamic stability) has been performed at Invitae for this missense variant, however the output from this modeling did not meet the statistical confidence thresholds required to predict the impact of this variant on RYR1 protein function. In summary, the available evidence is currently insufficient to determine the role of this variant in disease. Therefore, it has been classified as a Variant of Uncertain Significance.

GeneDx
Classification: Uncertain significance. Last evaluated: 2023-06-20. Review status: criteria provided, single submitter. Criteria: GeneDx Variant Classification Process June 2021. Collection method: clinical testing. Allele origin: germline. Affected: yes.
Comment: Not observed at significant frequency in large population cohorts (gnomAD); In silico analysis supports that this missense variant has a deleterious effect on protein structure/function; Has not been previously published as pathogenic or benign to our knowledge

Fulgent Genetics
Classification: Uncertain significance for Central core myopathy; Malignant hyperthermia, susceptibility to, 1; Congenital myopathy 4A, autosomal dominant; Congenital multicore myopathy with external ophthalmoplegia; King Denborough syndrome. Last evaluated: 2021-08-25. Review status: criteria provided, single submitter. Criteria: ACMG Guidelines, 2015. Collection method: clinical testing. Allele origin: unknown.

Revvity Omics, Revvity
Classification: Uncertain significance. Last evaluated: 2020-01-30. Review status: criteria provided, single submitter. Criteria: ACMG Guidelines, 2015. Collection method: clinical testing. Allele origin: germline.

Breakthrough Genomics
Classification: Uncertain significance. Review status: criteria provided, single submitter. Criteria: ACMG Guidelines, 2015. Collection method: not provided. Allele origin: germline. Inheritance: Autosomal dominant inheritance. Affected: yes.

NM_000540.3(RYR1):c.10459G>A (p.Gly3487Ser)

Gene: RYR1 (ryanodine receptor 1; plus strand). Cytogenetic location: 19q13.2.
Variant type: single nucleotide variant.
Coding change: c.10459G>A on transcript NM_000540.3 (MANE Select); coding-DNA position 10459, G replaced by A.
Protein change: p.Gly3487Ser; replaces glycine 3487 with serine.
Molecular consequence: missense variant.
Genome position (GRCh38, 1-based): chr19:38,525,335, G>A. VCF-style: chr19-38525335-G-A. GRCh37 (hg19) VCF-style: chr19-39015975-G-A.
Other names: c.10444G>A, p.Gly3482Ser (NM_001042723.2); short protein forms G3482S, G3487S.
Identifiers: ClinVar variation 863673 (VCV000863673.11), dbSNP rs371645169, ClinGen allele CA053771.